The following is an entry in ClinVar:

ClinVar aggregate classification (germline): Likely benign. Review status: criteria provided, single submitter (1 of 4 stars). 2 submissions from 2 submitters: Likely benign (1). 1 of the submissions does not count toward it. Last evaluated 2024-07-25.

Conditions:
LAMC3-related disorder. Also called: LAMC3-related condition.

gnomAD v4.1: 6 of 1,613,876 alleles (0.00037%); highest among the groups gnomAD compares: African/African-American, 0.0053%; no homozygotes.

Submissions (2):

Labcorp Genetics (formerly Invitae), Labcorp
Classification: Likely benign. Last evaluated: 2024-07-25. Review status: criteria provided, single submitter. Criteria: Invitae Variant Classification Sherloc (09022015). Collection method: clinical testing. Allele origin: germline.

PreventionGenetics, part of Exact Sciences
Classification: Likely benign for LAMC3-related condition. Last evaluated: 2020-02-17. Review status: no assertion criteria provided. Collection method: clinical testing. Allele origin: germline. Not counted in ClinVar's aggregate classification.
Comment: This variant is classified as likely benign based on ACMG/AMP sequence variant interpretation guidelines (Richards et al. 2015 PMID: 25741868, with internal and published modifications).

NM_006059.4(LAMC3):c.4378-8C>A

Gene: LAMC3 (laminin subunit gamma 3; plus strand). Cytogenetic location: 9q34.12.
Variant type: single nucleotide variant.
Coding change: c.4378-8C>A on transcript NM_006059.4 (MANE Select); 8 bases into the intron before coding-DNA position 4378, C replaced by A.
Molecular consequence: intron variant.
Genome position (GRCh38, 1-based): chr9:131,087,710, C>A. VCF-style: chr9-131087710-C-A. GRCh37 (hg19) VCF-style: chr9-133963097-C-A.
Other names: c.4378-8C>A (NM_006059.3).
Identifiers: ClinVar variation 1444674 (VCV001444674.8), dbSNP rs573976746, ClinGen allele CA5288170.